The following is an entry in ClinVar:

ClinVar aggregate classification (germline): Uncertain significance (1 of 4 stars; one submission).

Allele frequency attached by ClinVar (database versions not stated): gnomAD exomes below 0.00001; TOPMed below 0.00001; ExAC 0.00001; gnomAD 0.00001.

Submission:

Labcorp Genetics (formerly Invitae), Labcorp
Classification: Uncertain significance. Last evaluated: 2020-03-11. Review status: criteria provided, single submitter. Criteria: Invitae Variant Classification Sherloc (09022015). Collection method: clinical testing. Allele origin: germline.
Comment: In summary, the available evidence is currently insufficient to determine the role of this variant in disease. Therefore, it has been classified as a Variant of Uncertain Significance. Algorithms developed to predict the effect of missense changes on protein structure and function are either unavailable or do not agree on the potential impact of this missense change (SIFT: "Tolerated"; PolyPhen-2: "Possibly Damaging"; Align-GVGD: "Class C0"). This variant has not been reported in the literature in individuals with ATF6-related conditions. This variant is present in population databases (rs765344257, ExAC 0.01%). This sequence change replaces valine with isoleucine at codon 241 of the ATF6 protein (p.Val241Ile). The valine residue is moderately conserved and there is a small physicochemical difference between valine and isoleucine.

NM_007348.4(ATF6):c.721G>A (p.Val241Ile)

Gene: ATF6 (activating transcription factor 6; plus strand). Cytogenetic location: 1q23.3.
Variant type: single nucleotide variant.
Coding change: c.721G>A on transcript NM_007348.4 (MANE Select); coding-DNA position 721, G replaced by A.
Protein change: p.Val241Ile; replaces valine 241 with isoleucine.
Molecular consequence: missense variant.
Genome position (GRCh38, 1-based): chr1:161,802,084, G>A. VCF-style: chr1-161802084-G-A. GRCh37 (hg19) VCF-style: chr1-161771874-G-A.
Other names: short protein forms V241I.
Identifiers: ClinVar variation 1019166 (VCV001019166.5), dbSNP rs765344257, ClinGen allele CA1214286.